The following is an entry in ClinVar:

NM_000179.3(MSH6):c.2143G>C (p.Asp715His)

Gene: MSH6 (mutS homolog 6; plus strand). Cytogenetic location: 2p16.3.
Variant type: single nucleotide variant.
Coding change: c.2143G>C on transcript NM_000179.3 (MANE Select); coding-DNA position 2143, G replaced by C.
Protein change: p.Asp715His; replaces aspartic acid 715 with histidine.
Molecular consequence: missense variant. On other transcripts: non-coding transcript variant (5), intron variant (2).
Genome position (GRCh38, 1-based): chr2:47,800,126, G>C. VCF-style: chr2-47800126-G-C. GRCh37 (hg19) VCF-style: chr2-48027265-G-C.
Other names: c.1753G>C, p.Asp585His (NM_001281492.2); c.1237G>C, p.Asp413His (NM_001281493.2, NM_001281494.2, NM_001406811.1 and 6 more transcripts); c.2239G>C, p.Asp747His (NM_001406795.1, NM_001406802.1); c.2143G>C, p.Asp715His (NM_001406796.1, NM_001406798.1, NM_001406800.1 and 3 more transcripts); c.1846G>C, p.Asp616His (NM_001406797.1, NM_001406801.1, NM_001406805.1 and 10 more transcripts); c.1618G>C, p.Asp540His (NM_001406799.1, NM_001406806.1, NM_001406807.1); c.2065G>C, p.Asp689His (NM_001406804.1); c.2149G>C, p.Asp717His (NM_001406813.1); and 3 more; short protein forms D747H, D413H, D540H, D585H, D616H, D659H, D689H, D715H.
Identifiers: ClinVar variation 3230524 (VCV003230524.2), dbSNP rs1344588756, ClinGen allele CA346751080.
Genomic context (GRCh38, chr2:47,800,126, plus strand): 5'-CTTATTGATCAGGAGCTTTTATCAATGGCTAATTTTGAAGAATATATTCCCTTGGATTCT[G>C]ACACAGTCAGCACTACAAGATCTGGTGCTATCTTCACCAAAGCCTATCAACGAATGGTGC-3'
Protein context (NP_000170.1, residues 705-725): NFEEYIPLDS[Asp715His]TVSTTRSGAI

ClinVar aggregate classification (germline): Uncertain significance. Review status: criteria provided, multiple submitters, no conflicts (2 of 4 stars). 2 submissions from 2 submitters: Uncertain significance (2). Last evaluated 2024-08-06.

Conditions:
Hereditary cancer-predisposing syndrome. Also called: Neoplastic Syndromes, Hereditary; Tumor predisposition; Hereditary neoplastic syndrome; Hereditary Cancer Syndrome. Identifiers: Orphanet 140162, MedGen C0027672, MeSH D009386, MONDO:0015356.
Lynch syndrome. Identifiers: Orphanet 144, MedGen C4552100, MONDO:0005835. Disease mechanism: loss of function.

Allele frequency attached by ClinVar (database versions not stated): gnomAD exomes below 0.00001.
gnomAD v4.1: 2 of 1,614,122 alleles (0.00012%); highest among the groups gnomAD compares: South Asian, 0.0022%; no homozygotes.

Submissions (2):

All of Us Research Program, National Institutes of Health
Classification: Uncertain significance for Lynch syndrome. Last evaluated: 2024-08-06. Review status: criteria provided, single submitter. Criteria: ACMG Guidelines, 2015. Collection method: clinical testing. Allele origin: germline. Inheritance: Autosomal dominant inheritance. Observed: 1 variant allele, 1 heterozygote.
Comment: This study involves interpretation of variants in research participants for the purpose of population health screening. Participant phenotype was not available at the time of variant classification. Additional details can be found in publication PMID: 35346344, PMCID: PMC8962531

Ambry Genetics
Classification: Uncertain significance for Hereditary cancer-predisposing syndrome. Last evaluated: 2024-01-31. Review status: criteria provided, single submitter. Criteria: Ambry Variant Classification Scheme 2023. Collection method: clinical testing. Allele origin: germline.
Comment: The p.D715H variant (also known as c.2143G>C), located in coding exon 4 of the MSH6 gene, results from a G to C substitution at nucleotide position 2143. The aspartic acid at codon 715 is replaced by histidine, an amino acid with similar properties. This amino acid position is conserved. In addition, the in silico prediction for this alteration is inconclusive. Based on the available evidence, the clinical significance of this alteration remains unclear.